The following is an entry in ClinVar:

NM_001130009.3(GEN1):c.1912A>G (p.Arg638Gly)

Gene: GEN1 (GEN1 Holliday junction 5' flap endonuclease; plus strand). Cytogenetic location: 2p24.2.
Variant type: single nucleotide variant.
Coding change: c.1912A>G on transcript NM_001130009.3 (MANE Select); coding-DNA position 1912, A replaced by G.
Protein change: p.Arg638Gly; replaces arginine 638 with glycine.
Molecular consequence: missense variant.
Genome position (GRCh38, 1-based): chr2:17,781,124, A>G. VCF-style: chr2-17781124-A-G. GRCh37 (hg19) VCF-style: chr2-17962391-A-G.
Other names: c.1912A>G, p.Arg638Gly (NM_182625.5); short protein forms R638G.
Identifiers: ClinVar variation 4263047 (VCV004263047.1).

ClinVar aggregate classification (germline): Uncertain significance (1 of 4 stars; one submission).

Submission:

Ambry Genetics
Classification: Uncertain significance. Last evaluated: 2025-07-28. Review status: criteria provided, single submitter. Criteria: Ambry Variant Classification Scheme 2023. Collection method: clinical testing. Allele origin: germline.
Comment: The p.R638G variant (also known as c.1912A>G), located in coding exon 13 of the GEN1 gene, results from an A to G substitution at nucleotide position 1912. The arginine at codon 638 is replaced by glycine, an amino acid with dissimilar properties. This amino acid position is conserved. In addition, this alteration is predicted to be tolerated by in silico analysis. Based on the available evidence, the clinical significance of this variant remains unclear.